The following is an entry in ClinVar:

ClinVar aggregate classification (germline): Conflicting classifications of pathogenicity. Review status: criteria provided, conflicting classifications (1 of 4 stars). 2 submissions from 2 submitters: Uncertain significance (1); Likely benign (1). Last evaluated 2025-03-27.

Allele frequency attached by ClinVar (database versions not stated): TOPMed 0.00004; gnomAD exomes 0.00005; ExAC 0.00007; gnomAD 0.00007; ESP Exome Variant Server 0.00008.
gnomAD v4.1: 78 of 1,614,114 alleles (0.0048%); highest among the groups gnomAD compares: South Asian, 0.064%; 1 homozygote.

Submissions (2):

Labcorp Genetics (formerly Invitae), Labcorp
Classification: Uncertain significance. Last evaluated: 2025-03-27. Review status: criteria provided, single submitter. Criteria: Invitae Variant Classification Sherloc (09022015). Collection method: clinical testing. Allele origin: germline.
Comment: This sequence change replaces serine, which is neutral and polar, with leucine, which is neutral and non-polar, at codon 1070 of the TTBK2 protein (p.Ser1070Leu). This variant is present in population databases (rs375008079, gnomAD 0.06%), and has an allele count higher than expected for a pathogenic variant. This variant has not been reported in the literature in individuals affected with TTBK2-related conditions. ClinVar contains an entry for this variant (Variation ID: 1987536). An algorithm developed to predict the effect of missense changes on protein structure and function (PolyPhen-2) suggests that this variant is likely to be tolerated. In summary, the available evidence is currently insufficient to determine the role of this variant in disease. Therefore, it has been classified as a Variant of Uncertain Significance.

Blueprint Genetics
Classification: Likely benign. Last evaluated: 2023-04-27. Review status: criteria provided, single submitter. Criteria: ACMG Guidelines, 2015. Collection method: clinical testing. Allele origin: germline.

NM_173500.4(TTBK2):c.3209C>T (p.Ser1070Leu)

Gene: TTBK2 (tau tubulin kinase 2; minus strand). Cytogenetic location: 15q15.2.
Variant type: single nucleotide variant.
Coding change: c.3209C>T on transcript NM_173500.4 (MANE Select); coding-DNA position 3209, C replaced by T.
Protein change: p.Ser1070Leu; replaces serine 1070 with leucine.
Molecular consequence: missense variant.
Genome position (GRCh38, 1-based): chr15:42,752,037, G>A on the plus strand (C>T on the coding strand, the complement: TTBK2 is on the minus strand). VCF-style: chr15-42752037-G-A. GRCh37 (hg19) VCF-style: chr15-43044235-G-A.
Other names: short protein forms S1070L.
Identifiers: ClinVar variation 1987536 (VCV001987536.5), dbSNP rs375008079, ClinGen allele CA7516628.